The following is an entry in ClinVar:

NM_006946.4(SPTBN2):c.2413G>C (p.Ala805Pro)

Gene: SPTBN2 (spectrin beta, non-erythrocytic 2; minus strand). Cytogenetic location: 11q13.2.
Variant type: single nucleotide variant.
Coding change: c.2413G>C on transcript NM_006946.4 (MANE Select); coding-DNA position 2413, G replaced by C.
Protein change: p.Ala805Pro; replaces alanine 805 with proline.
Molecular consequence: missense variant.
Genome position (GRCh38, 1-based): chr11:66,704,863, C>G on the plus strand (G>C on the coding strand, the complement: SPTBN2 is on the minus strand). VCF-style: chr11-66704863-C-G. GRCh37 (hg19) VCF-style: chr11-66472334-C-G.
Other names: c.2434G>C, p.Ala812Pro (NM_001411025.1); short protein forms A805P, A812P.
Identifiers: ClinVar variation 3391713 (VCV003391713.1).

ClinVar aggregate classification (germline): Uncertain significance (1 of 4 stars; one submission).

Submission:

GeneDx
Classification: Uncertain significance. Last evaluated: 2024-06-20. Review status: criteria provided, single submitter. Criteria: GeneDx Variant Classification Process June 2021. Collection method: clinical testing. Allele origin: germline. Affected: yes.
Comment: Not observed at significant frequency in large population cohorts (gnomAD); In silico analysis indicates that this missense variant does not alter protein structure/function; Has not been previously published as pathogenic or benign to our knowledge